The following is an entry in ClinVar:

NM_002541.4(OGDH):c.325C>T (p.His109Tyr)

Gene: OGDH (oxoglutarate dehydrogenase; plus strand). Cytogenetic location: 7p13.
Variant type: single nucleotide variant.
Coding change: c.325C>T on transcript NM_002541.4 (MANE Select); coding-DNA position 325, C replaced by T.
Protein change: p.His109Tyr; replaces histidine 109 with tyrosine.
Molecular consequence: missense variant.
Genome position (GRCh38, 1-based): chr7:44,645,429, C>T. VCF-style: chr7-44645429-C-T. GRCh37 (hg19) VCF-style: chr7-44685028-C-T.
Other names: c.325C>T, p.His109Tyr (NM_001003941.3, NM_001165036.2, NM_001363523.2 and 3 more transcripts); short protein forms H109Y.
Identifiers: ClinVar variation 4709170 (VCV004709170.1).

ClinVar aggregate classification (germline): Uncertain significance (1 of 4 stars; one submission).

Conditions:
Oxoglutaricaciduria. Identifiers: Orphanet 31, MedGen C2752074, MONDO:0008759, OMIM 203740.

Submission:

Labcorp Genetics (formerly Invitae), Labcorp
Classification: Uncertain significance for Oxoglutaricaciduria. Last evaluated: 2025-04-15. Review status: criteria provided, single submitter. Criteria: Invitae Variant Classification Sherloc (09022015). Collection method: clinical testing. Allele origin: germline.
Comment: This sequence change replaces histidine, which is basic and polar, with tyrosine, which is neutral and polar, at codon 109 of the OGDH protein (p.His109Tyr). This variant is not present in population databases (gnomAD no frequency). This variant has not been reported in the literature in individuals affected with OGDH-related conditions. An algorithm developed to predict the effect of missense changes on protein structure and function (PolyPhen-2) suggests that this variant is likely to be tolerated. In summary, the available evidence is currently insufficient to determine the role of this variant in disease. Therefore, it has been classified as a Variant of Uncertain Significance.